The following is an entry in ClinVar:

ClinVar aggregate classification (germline): Uncertain significance. Review status: criteria provided, multiple submitters, no conflicts (2 of 4 stars). 2 submissions from 2 submitters: Uncertain significance (2). Last evaluated 2024-09-07.

Allele frequency attached by ClinVar (database versions not stated): ExAC 0.00009; ESP Exome Variant Server 0.00017; gnomAD 0.00023; TOPMed 0.00025.

Submissions (2):

Labcorp Genetics (formerly Invitae), Labcorp
Classification: Uncertain significance. Last evaluated: 2024-09-07. Review status: criteria provided, single submitter. Criteria: Invitae Variant Classification Sherloc (09022015). Collection method: clinical testing. Allele origin: germline.
Comment: This sequence change replaces threonine, which is neutral and polar, with serine, which is neutral and polar, at codon 3170 of the PKHD1L1 protein (p.Thr3170Ser). This variant is present in population databases (rs372689636, gnomAD 0.1%). This variant has not been reported in the literature in individuals affected with PKHD1L1-related conditions. ClinVar contains an entry for this variant (Variation ID: 2394523). Invitae Evidence Modeling of protein sequence and biophysical properties (such as structural, functional, and spatial information, amino acid conservation, physicochemical variation, residue mobility, and thermodynamic stability) indicates that this missense variant is expected to disrupt PKHD1L1 protein function with a positive predictive value of 80%. In summary, the available evidence is currently insufficient to determine the role of this variant in disease. Therefore, it has been classified as a Variant of Uncertain Significance.

Ambry Genetics
Classification: Uncertain significance. Last evaluated: 2022-05-06. Review status: criteria provided, single submitter. Criteria: Ambry Variant Classification Scheme 2023. Collection method: clinical testing. Allele origin: germline.

NM_177531.6(PKHD1L1):c.9508A>T (p.Thr3170Ser)

Gene: PKHD1L1 (PKHD1 like 1; plus strand). Cytogenetic location: 8q23.1.
Variant type: single nucleotide variant.
Coding change: c.9508A>T on transcript NM_177531.6 (MANE Select); coding-DNA position 9508, A replaced by T.
Protein change: p.Thr3170Ser; replaces threonine 3170 with serine.
Molecular consequence: missense variant.
Genome position (GRCh38, 1-based): chr8:109,483,037, A>T. VCF-style: chr8-109483037-A-T. GRCh37 (hg19) VCF-style: chr8-110495266-A-T.
Other names: short protein forms T3170S.
Identifiers: ClinVar variation 2394523 (VCV002394523.4), dbSNP rs372689636, ClinGen allele CA4846349.
Genomic context (GRCh38, chr8:109,483,037, plus strand): 5'-TCTTCTTTAGGGGTGTTTGGTGAGCTGGATCTTCATGGAATTCCACATTCAATATATAAA[A>T]CTAAGCTCTCAGAAACTGCATTTGCAGGTTCCAAAGTCCTGTCTCTGATGGATGCTGTGG-3'
Protein context (NP_803875.2, residues 3160-3180): LHGIPHSIYK[Thr3170Ser]KLSETAFAGS